The following is an entry in ClinVar:

NM_002878.4(RAD51D):c.576+6C>G

Genes: RAD51L3-RFFL (RAD51L3-RFFL readthrough; minus strand), RAD51D (RAD51 paralog D; minus strand). Cytogenetic location: 17q12.
Variant type: single nucleotide variant.
Coding change: c.576+6C>G on transcript NM_002878.4 (MANE Select); 6 bases into the intron after coding-DNA position 576, C replaced by G.
Molecular consequence: intron variant.
Genome position (GRCh38, 1-based): chr17:35,106,380, G>C on the plus strand (C>G on the coding strand, the complement: RAD51D is on the minus strand). VCF-style: chr17-35106380-G-C. GRCh37 (hg19) VCF-style: chr17-33433399-G-C.
Other names: c.240+6C>G (NM_133629.3); c.636+6C>G (NM_001142571.2).
Identifiers: ClinVar variation 1050298 (VCV001050298.2), dbSNP rs2142428719, ClinGen allele CA2499224275.
Genomic context (GRCh38, chr17:35,106,380, plus strand): 5'-ACCTGCCCACAGAGATAGCACCTAGAAAGCTGAATTAAGCAAGGAGGGGCAGAACAGCAG[G>C]CTCACCTGCTGGGCCACAGTGCCTCGGAGCTCCTGCAGCACATCCAGCATCTGGAAGATG-3'

ClinVar aggregate classification (germline): Uncertain significance (0 of 4 stars; one submission).

Conditions:
Malignant tumor of breast. Also called: Malignant breast neoplasm; Cancer breast. Identifiers: MedGen C0006142, MONDO:0007254. Disease mechanism: loss of function.

Submission:

Department of Pathology and Laboratory Medicine, Sinai Health System
Classification: Uncertain significance for Malignant tumor of breast. Review status: no assertion criteria provided. Collection method: clinical testing. Allele origin: unknown. Affected: yes. Study: The Canadian Open Genetics Repository (COGR).
Comment: The RAD51D c.576+6C>G variant was not identified in the literature nor was it identified in the dbSNP, ClinVar, Cosmic, Zhejiang Colon Cancer Database, the 1000 Genomes Project, the NHLBI GO Exome Sequencing Project, the Exome Aggregation Consortium (August 8th 2016), or the Genome Aggregation Database (Feb 27, 2017). The c.576+6C>G variant is located in the 5' splice region but does not affect the invariant +1 and +2 positions. However, positions +3 to +6 are part of the splicing consensus sequence and variants involving these positions sometimes affect splicing. The variant occurs outside of the splicing consensus sequence and in silico or computational prediction software programs (SpliceSiteFinder, MaxEntScan, NNSPLICE, GeneSplicer, HumanSpliceFinder) do not predict a difference in splicing. In summary, based on the above information the clinical significance of this variant cannot be determined with certainty at this time. This variant is classified as a variant of uncertain significance.